The following is an entry in ClinVar:

ClinVar aggregate classification (germline): Uncertain significance (1 of 4 stars; one submission).

Submission:

GeneDx
Classification: Uncertain significance. Last evaluated: 2022-12-15. Review status: criteria provided, single submitter. Criteria: GeneDx Variant Classification Process June 2021. Collection method: clinical testing. Allele origin: germline. Affected: yes.
Comment: Not observed at significant frequency in large population cohorts (gnomAD); In silico analysis supports that this missense variant does not alter protein structure/function; Has not been previously published as pathogenic or benign to our knowledge

NM_001163809.2(WDR81):c.1276G>A (p.Ala426Thr)

Gene: WDR81 (WD repeat domain 81; plus strand). Cytogenetic location: 17p13.3.
Variant type: single nucleotide variant.
Coding change: c.1276G>A on transcript NM_001163809.2 (MANE Select); coding-DNA position 1276, G replaced by A.
Protein change: p.Ala426Thr; replaces alanine 426 with threonine.
Molecular consequence: missense variant. On other transcripts: intron variant (3).
Genome position (GRCh38, 1-based): chr17:1,726,235, G>A. VCF-style: chr17-1726235-G-A. GRCh37 (hg19) VCF-style: chr17-1629529-G-A.
Other names: c.-123-1755G>A (NM_152348.4); c.59-4145G>A (NM_001163673.2); c.-15+1449G>A (NM_001163811.2); short protein forms A426T.
Identifiers: ClinVar variation 2506741 (VCV002506741.1), dbSNP rs2543868239, ClinGen allele CA397587940.